The following is an entry in ClinVar:

ClinVar aggregate classification (germline): Conflicting classifications of pathogenicity. Review status: criteria provided, conflicting classifications (1 of 4 stars). 21 submissions from 18 submitters: Uncertain significance (8); Benign (5); Likely benign (4). 4 of the submissions do not count toward it. Last evaluated 2026-09-01.

Conditions:
Developmental and epileptic encephalopathy, 52 (DEE52). Also called: Epileptic encephalopathy, early infantile, 52. Identifiers: MedGen C4479236, MONDO:0033361, OMIM 617350.
Atrial fibrillation, familial, 13 (ATFB13). Identifiers: MedGen C3809311, MONDO:0014155, OMIM 615377.
Long QT syndrome (LQTS). Identifiers: MedGen C0023976, MeSH D008133, MONDO:0002442. Disease mechanism: loss of function. Inheritance: Various modes of inheritance.
Brugada syndrome 5 (BRGDA5). Identifiers: Orphanet 130, Orphanet 871, MedGen C2748541, MONDO:0013015, OMIM 612838.
Generalized epilepsy with febrile seizures plus, type 1 (GEFSP1). Also called: GEFS+, TYPE 1. Identifiers: Orphanet 36387, MedGen C1858672, MONDO:0011416, OMIM 604233.

Allele frequency attached by ClinVar (database versions not stated): 1000 Genomes Project 30x 0.00031; 1000 Genomes Project 0.00040; gnomAD 0.00220 and 0.00227; TOPMed 0.00222; gnomAD exomes 0.00236 and 0.00318; ExAC 0.00327; ESP Exome Variant Server 0.00331.
gnomAD v4.1: 4,771 of 1,559,664 alleles (0.31%); highest among the groups gnomAD compares: Non-Finnish European, 0.37%; 9 homozygotes.

Submissions (21):

CeGaT Center for Human Genetics Tuebingen
Classification: Likely benign. Last evaluated: 2026-09-01. Review status: criteria provided, single submitter. Criteria: CeGaT Center For Human Genetics Tuebingen Variant Classification Criteria Version 2. Collection method: clinical testing. Allele origin: germline. Affected: yes. Observed: 35 variant alleles.
Comment: SCN1B: BP4, BS2

Labcorp Genetics (formerly Invitae), Labcorp
Classification: Benign for Brugada syndrome 5. Last evaluated: 2026-02-01. Review status: criteria provided, single submitter. Criteria: Invitae Variant Classification Sherloc (09022015). Collection method: clinical testing. Allele origin: germline.

Blueprint Genetics
Classification: Likely benign. Last evaluated: 2024-11-20. Review status: criteria provided, single submitter. Criteria: ACMG Guidelines, 2015. Collection method: clinical testing. Allele origin: germline.

Dept of Medical Biology, Uskudar University
Classification: Uncertain significance for Long QT syndrome. Last evaluated: 2024-01-08. Review status: criteria provided, single submitter. Criteria: Dept of Medical Biology Variant Classification. Collection method: research. Allele origin: maternal. Affected: yes. Observed: 1 variant allele.
Comment: Criteria: BS1, BP4

ARUP Laboratories, Molecular Genetics and Genomics, ARUP Laboratories
Classification: Uncertain significance. Last evaluated: 2023-10-13. Review status: criteria provided, single submitter. Criteria: ARUP Molecular Germline Variant Investigation Process 2024. Collection method: clinical testing. Allele origin: germline.
Comment: The SCN1B c.641G>A, p.Arg214Gln variant (rs66876876) is reported in the literature in three individuals affected with atrial fibrillation (Husser 2017). This variant is also reported in ClinVar (Variation ID: 190847). This variant is found in the general population with an overall allele frequency of 0.2% (461/195480 alleles) in the Genome Aggregation Database. The arginine at codon 214 is weakly conserved, and computational analyses predict that this variant is neutral (REVEL: 0.06). However, this missense variant may impact splicing by creating a novel cryptic acceptor splice site/weakening the nearby canonical splice site. Due to limited information, the clinical significance of the p.Arg214Gln variant is uncertain at this time. References: Husser et al. Rare variants in genes encoding the cardiac sodium channel and associated compounds and their impact on outcome of catheter ablation of atrial fibrillation. PLoS One. 2017 Aug 24;12(8):e0183690. PMID 28837624 Gene statement: Pathogenic variants in SCN1B are associated with autosomal dominant familial atrial fibrillation 13 (MIM: 615377), Brugada syndrome 5 (MIM: 612838), nonspecific cardiac conduction defect (MIM: 612838), generalized epilepsy with febrile seizures type 1 (MIM: 604233), and autosomal recessive early infantile epileptic encephalopathy 52 (MIM: 617350).

GeneDx
Classification: Benign. Last evaluated: 2020-02-24. Review status: criteria provided, single submitter. Criteria: GeneDx Variant Classification Process June 2021. Collection method: clinical testing. Allele origin: germline. Affected: yes.
Comment: This variant is associated with the following publications: (PMID: 22155598, 21994374, 22155597, 23465283, 22840528, 27711072, 28837624, 25253298, 23861362, 24055113, 22284586, 23414114, 28341588, 29758173, 29740331, 27435932, 31043699)

Molecular Diagnostic Laboratory for Inherited Cardiovascular Disease, Montreal Heart Institute
Classification: Benign. Last evaluated: 2020-01-29. Review status: criteria provided, single submitter. Criteria: ACMG Guidelines, 2015. Collection method: clinical testing. Allele origin: germline. Affected: yes.

Women's Health and Genetics/Laboratory Corporation of America, LabCorp
Classification: Benign. Last evaluated: 2019-05-06. Review status: criteria provided, single submitter. Criteria: LabCorp Variant Classification Summary - May 2015. Collection method: clinical testing. Allele origin: germline.
Comment: Variant summary: SCN1B c.641G>A (p.Arg214Gln, also known as c.448+193G>A based on NM_001037) results in a conservative amino acid change in the encoded protein sequence. Five of five in-silico tools predict a benign effect of the variant on protein function. The variant allele was found at a frequency of 0.0024 in 166160 control chromosomes, predominantly at a frequency of 0.0042 within the Non-Finnish European subpopulation in the gnomAD database. The observed variant frequency within Non-Finnish European control individuals in the gnomAD database is approximately 420 fold of the estimated maximal expected allele frequency for a pathogenic variant in SCN1B causing Arrhythmia phenotype (1e-05), strongly suggesting that the variant is a benign polymorphism found primarily in populations of Non-Finnish European origin. c.641G>A has been reported in the literature in multiple individuals affected with Brugada syndrome, sudden infant death syndrome, and lone atrial fibrillation (Hu_2012, Crotti_2012, Holst_2012, Olesen_2012, Gray_2018, Husser_2017, Methner_2016, Ng_2013, Nunn_2016, Proost_2017, Ricci_2014). A function study, Hu_2012, indicates the variant decreases sodium current density. Authors have suggested the variant to be a functional polymorphism. Seven ClinVar submissions from clinical diagnostic laboratories (evaluation after 2014) cite the variant as twice as benign, four as likely benign, and once as uncertain significance. Based on the evidence outlined above, the variant was classified as benign.

Phosphorus, Inc.
Classification: Uncertain significance for Atrial fibrillation, familial, 13. Last evaluated: 2017-08-01. Review status: criteria provided, single submitter. Criteria: ACMG Guidelines, 2015. Collection method: clinical testing. Allele origin: germline. Observed: 1 variant allele.

Phosphorus, Inc.
Classification: Uncertain significance for Brugada syndrome 5. Last evaluated: 2017-08-01. Review status: criteria provided, single submitter. Criteria: ACMG Guidelines, 2015. Collection method: clinical testing. Allele origin: germline. Observed: 2 variant alleles.

Phosphorus, Inc.
Classification: Uncertain significance for Developmental and epileptic encephalopathy, 52. Last evaluated: 2017-08-01. Review status: criteria provided, single submitter. Criteria: ACMG Guidelines, 2015. Collection method: clinical testing. Allele origin: germline. Observed: 1 variant allele.

Phosphorus, Inc.
Classification: Uncertain significance for Generalized epilepsy with febrile seizures plus, type 1. Last evaluated: 2017-08-01. Review status: criteria provided, single submitter. Criteria: ACMG Guidelines, 2015. Collection method: clinical testing. Allele origin: germline. Observed: 1 variant allele.

Center for Pediatric Genomic Medicine, Children's Mercy Hospital and Clinics
Classification: Likely benign. Last evaluated: 2016-12-05. Review status: criteria provided, single submitter. Criteria: ACMG Guidelines, 2015. Collection method: clinical testing. Allele origin: germline.
ClinVar note: Converted during submission from Likely Benign to Likely benign.

Eurofins Ntd Llc (ga)
Classification: Likely benign. Last evaluated: 2016-06-17. Review status: criteria provided, single submitter. Criteria: EGL Classification Definitions 2015. Collection method: clinical testing. Allele origin: germline. Observed: 1 variant allele, 1 heterozygote.

Laboratory for Molecular Medicine, Mass General Brigham Personalized Medicine
Classification: Benign. Last evaluated: 2016-03-28. Review status: criteria provided, single submitter. Criteria: LMM Criteria. Collection method: clinical testing. Allele origin: germline.
Comment: Variant identified in a genome or exome case(s) and assessed due to predicted null impact of the variant or pathogenic assertions in the literature or databases. Disclaimer: This variant has not undergone full assessment. The following are preliminary notes: ExAC: 1.4% (5/344) Finnish chromosomes

Stanford Center for Inherited Cardiovascular Disease, Stanford University
Classification: Uncertain significance. Last evaluated: 2014-12-04. Review status: criteria provided, single submitter. Criteria: ACMG Guidelines, 2015. Collection method: provider interpretation. Allele origin: germline.

Biesecker Lab/Clinical Genomics Section, National Institutes of Health
Classification: Uncertain significance. Last evaluated: 2013-06-24. Review status: criteria provided, single submitter. Criteria: Ng et al. (Circ Cardiovasc Genet. 2013). Collection method: research. Allele origin: unknown. Observed: 2 variant alleles. Study: ClinSeq.
Comment: The study set was not selected for affection status in relation to any cancer. Pathogenicity categories were based on literature curation. See Pubmed ID:23861362 for details.

Medical sequencing

Clinical Genetics DNA and cytogenetics Diagnostics Lab, Erasmus MC, Erasmus Medical Center
Classification: Likely benign. Review status: no assertion criteria provided. Collection method: clinical testing. Allele origin: germline. Affected: yes. Study: VKGL Data-share Consensus. Not counted in ClinVar's aggregate classification.

Clinical Genetics, Academic Medical Center
Classification: Benign. Review status: no assertion criteria provided. Collection method: clinical testing. Allele origin: germline. Affected: yes. Study: VKGL Data-share Consensus. Not counted in ClinVar's aggregate classification.

Genome Diagnostics Laboratory, University Medical Center Utrecht
Classification: Likely benign. Review status: no assertion criteria provided. Collection method: clinical testing. Allele origin: germline. Affected: yes. Study: VKGL Data-share Consensus. Not counted in ClinVar's aggregate classification.

Joint Genome Diagnostic Labs from Nijmegen and Maastricht, Radboudumc and MUMC+
Classification: Likely benign. Review status: no assertion criteria provided. Collection method: clinical testing. Allele origin: germline. Affected: yes. Study: VKGL Data-share Consensus. Not counted in ClinVar's aggregate classification.

Literature cited by the submitters: PubMed 22840528 (cited by Women's Health and Genetics/Laboratory Corporation of America, LabCorp and Phosphorus, Inc.); PubMed 21994374 (cited by Women's Health and Genetics/Laboratory Corporation of America, LabCorp); PubMed 23861362 (cited by Women's Health and Genetics/Laboratory Corporation of America, LabCorp and Phosphorus, Inc.); PubMed 22284586 (cited by Women's Health and Genetics/Laboratory Corporation of America, LabCorp and Phosphorus, Inc.); PubMed 22155597 (cited by Women's Health and Genetics/Laboratory Corporation of America, LabCorp and Phosphorus, Inc.); PubMed 22155598 (cited by Women's Health and Genetics/Laboratory Corporation of America, LabCorp and Phosphorus, Inc.); PubMed 26498160 (cited by Women's Health and Genetics/Laboratory Corporation of America, LabCorp); PubMed 27435932 (cited by Women's Health and Genetics/Laboratory Corporation of America, LabCorp); PubMed 28837624 (cited by Women's Health and Genetics/Laboratory Corporation of America, LabCorp); PubMed 29758173 (cited by Women's Health and Genetics/Laboratory Corporation of America, LabCorp); PubMed 28341588 (cited by Women's Health and Genetics/Laboratory Corporation of America, LabCorp); PubMed 25253298 (cited by Women's Health and Genetics/Laboratory Corporation of America, LabCorp and Phosphorus, Inc.); PubMed 23414114 (cited by Phosphorus, Inc.); PubMed 23465283 (cited by Phosphorus, Inc.); PubMed 27896052 (cited by Phosphorus, Inc.).

NM_001037.5(SCN1B):c.448+193G>A

Gene: SCN1B (sodium voltage-gated channel beta subunit 1; plus strand). Cytogenetic location: 19q13.11.
Variant type: single nucleotide variant.
Coding change: c.448+193G>A on transcript NM_001037.5 (MANE Select); 193 bases into the intron after coding-DNA position 448, G replaced by A.
Molecular consequence: intron variant. On other transcripts: missense variant (1).
Genome position (GRCh38, 1-based): chr19:35,033,932, G>A. VCF-style: chr19-35033932-G-A. GRCh37 (hg19) VCF-style: chr19-35524836-G-A.
Other names: p.R214Q:CGG>CAG; c.641G>A, p.Arg214Gln (NM_199037.5); c.349+193G>A (NM_001321605.2); short protein forms R214Q.
Identifiers: ClinVar variation 190847 (VCV000190847.75), dbSNP rs66876876, ClinGen allele CA302131.
Genomic context (GRCh38, chr19:35,033,932, plus strand): 5'-GGGAGGGGAGCAGCCCCTCCTGCCCACTCCAGCTCTGGCCTCTGTTTCTCTCCAGCCCAC[G>A]GAGAGGTCAAAGCATGCCTGTCCCCCACAGACGCTCCGGGTACAGAACCCAGCTCTGTCA-3'